The following is an entry in ClinVar:

NM_015459.5(ATL3):c.713T>C (p.Val238Ala)

Genes: ATL3 (atlastin GTPase 3; minus strand), LNCROPM (lncRNA regulator of PLAAT3 mediated phospholipid metabolism; plus strand). Cytogenetic location: 11q13.1.
Variant type: single nucleotide variant.
Coding change: c.713T>C on transcript NM_015459.5 (MANE Select); coding-DNA position 713, T replaced by C.
Protein change: p.Val238Ala; replaces valine 238 with alanine.
Molecular consequence: missense variant.
Genome position (GRCh38, 1-based): chr11:63,643,494, A>G on the plus strand (T>C on the coding strand, the complement: ATL3 is on the minus strand). VCF-style: chr11-63643494-A-G. GRCh37 (hg19) VCF-style: chr11-63410966-A-G.
Other names: c.659T>C, p.Val220Ala (NM_001290048.2); short protein forms V238A, V220A.
Identifiers: ClinVar variation 2872586 (VCV002872586.3), dbSNP rs199998352, ClinGen allele CA6063701.

ClinVar aggregate classification (germline): Uncertain significance (1 of 4 stars; one submission).

Conditions:
Neuropathy, hereditary sensory, type 1F. Also called: HSN IF; Hereditary sensory neuropathy type IF. Identifiers: Orphanet 36386, MedGen C3810194, MONDO:0014286, OMIM 615632.

Allele frequency attached by ClinVar (database versions not stated): gnomAD exomes below 0.00001.
gnomAD v4.1: 2 of 1,591,306 alleles (0.00013%); highest among the groups gnomAD compares: Non-Finnish European, 0.00017%; no homozygotes.

Submission:

Labcorp Genetics (formerly Invitae), Labcorp
Classification: Uncertain significance for Neuropathy, hereditary sensory, type 1F. Last evaluated: 2023-06-02. Review status: criteria provided, single submitter. Criteria: Invitae Variant Classification Sherloc (09022015). Collection method: clinical testing. Allele origin: germline.
Comment: In summary, the available evidence is currently insufficient to determine the role of this variant in disease. Therefore, it has been classified as a Variant of Uncertain Significance. An algorithm developed to predict the effect of missense changes on protein structure and function (PolyPhen-2) suggests that this variant is likely to be disruptive. This variant has not been reported in the literature in individuals affected with ATL3-related conditions. This variant is present in population databases (rs199998352, gnomAD 0.003%). This sequence change replaces valine, which is neutral and non-polar, with alanine, which is neutral and non-polar, at codon 238 of the ATL3 protein (p.Val238Ala).